The following is an entry in ClinVar:

NM_002230.4(JUP):c.2029C>T (p.Pro677Ser)

Gene: JUP (junction plakoglobin; minus strand). Cytogenetic location: 17q21.2.
Variant type: single nucleotide variant.
Coding change: c.2029C>T on transcript NM_002230.4 (MANE Select); coding-DNA position 2029, C replaced by T.
Protein change: p.Pro677Ser; replaces proline 677 with serine.
Molecular consequence: missense variant.
Genome position (GRCh38, 1-based): chr17:41,757,432, G>A on the plus strand (C>T on the coding strand, the complement: JUP is on the minus strand). VCF-style: chr17-41757432-G-A. GRCh37 (hg19) VCF-style: chr17-39913684-G-A.
Other names: c.2029C>T, p.Pro677Ser (NM_001352773.2, NM_001352774.2, NM_001352775.2 and 3 more transcripts); short protein forms P677S.
Identifiers: ClinVar variation 4040994 (VCV004040994.1).

ClinVar aggregate classification (germline): Uncertain significance (1 of 4 stars; one submission).

Conditions:
Cardiovascular phenotype. Identifiers: MedGen CN230736.

Submission:

Ambry Genetics
Classification: Uncertain significance for Cardiovascular phenotype. Last evaluated: 2025-06-07. Review status: criteria provided, single submitter. Criteria: Ambry Variant Classification Scheme 2023. Collection method: clinical testing. Allele origin: germline.
Comment: The p.P677S variant (also known as c.2029C>T), located in coding exon 11 of the JUP gene, results from a C to T substitution at nucleotide position 2029. The proline at codon 677 is replaced by serine, an amino acid with similar properties. This amino acid position is conserved. In addition, the in silico prediction for this alteration is inconclusive. Based on the available evidence, the clinical significance of this variant remains unclear.